The following is an entry in ClinVar:

ClinVar aggregate classification (germline): Uncertain significance (1 of 4 stars; one submission).

Conditions:
Combined oxidative phosphorylation defect type 27. Also called: Combined oxidative phosphorylation deficiency 27. Identifiers: Orphanet 477774, MedGen C5567608, MONDO:0014728, OMIM 616672.

Submission:

Labcorp Genetics (formerly Invitae), Labcorp
Classification: Uncertain significance for Combined oxidative phosphorylation defect type 27. Last evaluated: 2018-12-13. Review status: criteria provided, single submitter. Criteria: Invitae Variant Classification Sherloc (09022015). Collection method: clinical testing. Allele origin: germline.
Comment: In summary, the available evidence is currently insufficient to determine the role of this variant in disease. Therefore, it has been classified as a Variant of Uncertain Significance. Algorithms developed to predict the effect of sequence changes on RNA splicing suggest that this variant may create or strengthen a splice site, but this prediction has not been confirmed by published transcriptional studies. Algorithms developed to predict the effect of missense changes on protein structure and function are either unavailable or do not agree on the potential impact of this missense change (SIFT: "Tolerated"; PolyPhen-2: "Possibly Damaging"; Align-GVGD: "Class C0"). This variant has not been reported in the literature in individuals with CARS2-related conditions. This variant is not present in population databases (ExAC no frequency). This sequence change replaces threonine with alanine at codon 188 of the CARS2 protein (p.Thr188Ala). The threonine residue is highly conserved and there is a small physicochemical difference between threonine and alanine.

NM_024537.4(CARS2):c.562A>G (p.Thr188Ala)

Gene: CARS2 (cysteinyl-tRNA synthetase 2, mitochondrial; minus strand). Cytogenetic location: 13q34.
Variant type: single nucleotide variant.
Coding change: c.562A>G on transcript NM_024537.4 (MANE Select); coding-DNA position 562, A replaced by G.
Protein change: p.Thr188Ala; replaces threonine 188 with alanine.
Molecular consequence: missense variant. On other transcripts: 5 prime UTR variant (1), non-coding transcript variant (2).
Genome position (GRCh38, 1-based): chr13:110,687,730, T>C on the plus strand (A>G on the coding strand, the complement: CARS2 is on the minus strand). VCF-style: chr13-110687730-T-C. GRCh37 (hg19) VCF-style: chr13-111340077-T-C.
Other names: c.-438A>G (NM_001352252.2); c.562A>G, p.Thr188Ala (NM_001352253.3); short protein forms T188A.
Identifiers: ClinVar variation 660843 (VCV000660843.8), dbSNP rs1594372405, ClinGen allele CA388738058.